The following is an entry in ClinVar:

NM_001267550.2(TTN):c.12268C>T (p.Gln4090Ter)

Gene: TTN (titin; minus strand). Cytogenetic location: 2q31.2.
Variant type: single nucleotide variant.
Coding change: c.12268C>T on transcript NM_001267550.2 (MANE Select); coding-DNA position 12268, C replaced by T.
Protein change: p.Gln4090Ter; replaces glutamine 4090 with a stop codon.
Molecular consequence: nonsense. On other transcripts: intron variant (1).
Genome position (GRCh38, 1-based): chr2:178,740,965, G>A on the plus strand (C>T on the coding strand, the complement: TTN is on the minus strand). VCF-style: chr2-178740965-G-A. GRCh37 (hg19) VCF-style: chr2-179605692-G-A.
Other names: c.11317C>T, p.Gln3773Ter (NM_001256850.1); c.11179C>T, p.Gln3727Ter (NM_003319.4); c.11554C>T, p.Gln3852Ter (NM_133432.3); c.11755C>T, p.Gln3919Ter (NM_133437.4); c.10361-2605C>T (NM_133378.4); short protein forms Q3727*, Q3773*, Q3852*, Q3919*, Q4090*.
Identifiers: ClinVar variation 684797 (VCV000684797.7), dbSNP rs1574087037, ClinGen allele CA349615850.

ClinVar aggregate classification (germline): Likely pathogenic. Review status: criteria provided, multiple submitters, no conflicts (2 of 4 stars). 4 submissions from 4 submitters: Likely pathogenic (4). Last evaluated 2026-06-24.

Conditions:
TTN-related disorder. Also called: TTN-related disorders; TTN-related condition; TTN-related disease.
Cardiovascular phenotype. Identifiers: MedGen CN230736.
Dilated cardiomyopathy 1G (CMD1G). Identifiers: Orphanet 154, MedGen C1858763, MONDO:0011400, OMIM 604145.
Autosomal recessive limb-girdle muscular dystrophy type 2J (LGMDR10). Also called: Limb-girdle muscular dystrophy, type 2J; MUSCULAR DYSTROPHY, LIMB-GIRDLE, AUTOSOMAL RECESSIVE 10. Identifiers: Orphanet 140922, MedGen C1837342, MONDO:0012127, OMIM 608807.
Primary familial dilated cardiomyopathy (FDC). Also called: Familial dilated cardiomyopathy; Hypokinetic dilated cardiomyopathy, familial. Identifiers: Orphanet 217607, MedGen C0340427, MONDO:0016333.

Allele frequency attached by ClinVar (database versions not stated): gnomAD exomes below 0.00001.
gnomAD v4.1: 1 of 1,613,882 alleles (0.000062%); highest among the groups gnomAD compares: Non-Finnish European, 0.000085%; no homozygotes.

Submissions (4):

Ambry Genetics
Classification: Likely pathogenic for Cardiovascular phenotype. Last evaluated: 2026-06-24. Review status: criteria provided, single submitter. Criteria: Ambry Variant Classification Scheme 2023. Collection method: clinical testing. Allele origin: germline.
Comment: The p.Q3727* variant (also known as c.11179C>T), located in coding exon 44 of the TTN gene, results from a C to T substitution at nucleotide position 11179. This changes the amino acid from a glutamine to a stop codon within coding exon 44. This exon is located in the I-band region of the N2-B isoform of the titin protein and is constitutively expressed in TTN transcripts (percent spliced in or PSI 100%). This variant is considered to be rare based on population cohorts in the Genome Aggregation Database (gnomAD). This variant is expected to result in loss of function by premature protein truncation or nonsense-mediated mRNA decay. While truncating variants in TTN are present in 1-3% of the general population, truncating variants in the A-band are the most common cause of dilated cardiomyopathy (Herman DS et al. N. Engl. J. Med., 2012 Feb;366:619-28; Roberts AM et al. Sci Transl Med, 2015 Jan;7:270ra6). TTN truncating variants encoded in constitutive exons (PSI >90%) have been found to be significantly associated with DCM regardless of their position in titin (Schafer S et al. Nat. Genet., 2017 01;49:46-53; Akhtar MM et al. Circ Heart Fail, 2020 Oct;13:e006832; Massier M et al. Clin Genet, 2025 Jan). Based on the majority of available evidence to date, this variant is likely to be pathogenic.

Labcorp Genetics (formerly Invitae), Labcorp
Classification: Likely pathogenic for Dilated cardiomyopathy 1G; Autosomal recessive limb-girdle muscular dystrophy type 2J. Last evaluated: 2025-08-05. Review status: criteria provided, single submitter. Criteria: Invitae Variant Classification Sherloc (09022015). Collection method: clinical testing. Allele origin: germline.
Comment: This sequence change creates a premature translational stop signal (p.Gln4090*) in the TTN gene. While this is not anticipated to result in nonsense mediated decay, it is expected to create a truncated TTN protein. This variant is not present in population databases (gnomAD no frequency). This variant has not been observed in the literature in individuals with autosomal recessive TTN-related conditions. This variant has been reported in individual(s) with clinical features of autosomal dominant dilated cardiomyopathy (internal data); however, the role of the variant in this condition is currently unclear. ClinVar contains an entry for this variant (Variation ID: 684797). This variant is located in the I band of TTN (PMID: 25589632). Truncating variants in this region have been reported in individuals affected with autosomal recessive centronuclear myopathy (PMID: 23975875, internal data). Truncating variants in this region have also been identified in individuals affected with autosomal dominant dilated cardiomyopathy and/or cardio-related conditions (PMID: 27869827, 32964742, internal data). In summary, the currently available evidence indicates that the variant is pathogenic, but additional data are needed to prove that conclusively. Therefore, this variant has been classified as Likely Pathogenic.

Blueprint Genetics
Classification: Likely pathogenic for TTN-related disorders. Last evaluated: 2024-10-11. Review status: criteria provided, single submitter. Criteria: ACMG Guidelines, 2015. Collection method: clinical testing. Allele origin: germline. Affected: yes. Observed: 1 variant allele.

Molecular Diagnostic Laboratory for Inherited Cardiovascular Disease, Montreal Heart Institute
Classification: Likely pathogenic for Familial dilated cardiomyopathy. Review status: criteria provided, single submitter. Criteria: ACMG Guidelines, 2015. Collection method: clinical testing. Allele origin: germline. Affected: yes.

Literature cited by the submitters: PubMed 25589632 (cited by Labcorp Genetics (formerly Invitae), Labcorp); PubMed 23975875 (cited by Labcorp Genetics (formerly Invitae), Labcorp); PubMed 27869827 (cited by Labcorp Genetics (formerly Invitae), Labcorp); PubMed 32964742 (cited by Labcorp Genetics (formerly Invitae), Labcorp).